The following is an entry in ClinVar:

ClinVar aggregate classification (germline): Pathogenic (1 of 4 stars; one submission).

Conditions:
Primary ciliary dyskinesia. Also called: Ciliary dyskinesia. Identifiers: Orphanet 244, MedGen C0008780, MONDO:0016575, HP:0012265.

gnomAD v4.1: 1 of 1,572,446 alleles (0.000064%); highest among the groups gnomAD compares: Non-Finnish European, 0.000086%; no homozygotes.

Submission:

Labcorp Genetics (formerly Invitae), Labcorp
Classification: Pathogenic for Primary ciliary dyskinesia. Last evaluated: 2024-01-29. Review status: criteria provided, single submitter. Criteria: Invitae Variant Classification Sherloc (09022015). Collection method: clinical testing. Allele origin: germline.
Comment: This sequence change creates a premature translational stop signal (p.Tyr1597*) in the DNAH11 gene. It is expected to result in an absent or disrupted protein product. Loss-of-function variants in DNAH11 are known to be pathogenic (PMID: 18022865, 20513915, 22184204). This variant is not present in population databases (gnomAD no frequency). This variant has not been reported in the literature in individuals affected with DNAH11-related conditions. For these reasons, this variant has been classified as Pathogenic.

Literature cited by the submitters: PubMed 18022865; PubMed 20513915; PubMed 22184204.

NM_001277115.2(DNAH11):c.4791T>A (p.Tyr1597Ter)

Gene: DNAH11 (dynein axonemal heavy chain 11; plus strand). Cytogenetic location: 7p15.3.
Variant type: single nucleotide variant.
Coding change: c.4791T>A on transcript NM_001277115.2 (MANE Select); coding-DNA position 4791, T replaced by A.
Protein change: p.Tyr1597Ter; replaces tyrosine 1597 with a stop codon.
Molecular consequence: nonsense.
Genome position (GRCh38, 1-based): chr7:21,637,676, T>A. VCF-style: chr7-21637676-T-A. GRCh37 (hg19) VCF-style: chr7-21677294-T-A.
Other names: c.4806T>A, p.Tyr1602Ter (NM_003777.3); short protein forms Y1602*, Y1597*.
Identifiers: ClinVar variation 2744408 (VCV002744408.3), dbSNP rs748873603, ClinGen allele CA366934226.